The following is an entry in ClinVar:

ClinVar aggregate classification (germline): Uncertain significance. Review status: criteria provided, multiple submitters, no conflicts (2 of 4 stars). 2 submissions from 2 submitters: Uncertain significance (2). Last evaluated 2026-09-12.

Conditions:
Developmental and epileptic encephalopathy, 42 (DEE42A). Also called: Epileptic encephalopathy, early infantile, 42; DEVELOPMENTAL AND EPILEPTIC ENCEPHALOPATHY 42A; EPILEPTIC ENCEPHALOPATHY, EARLY INFANTILE, 42A. Identifiers: MedGen C4310716, MONDO:0014917, OMIM 617106.
Episodic ataxia type 2 (EA2). Also called: CEREBELLAR ATAXIA, PAROXYSMAL, ACETAZOLAMIDE-RESPONSIVE; CEREBELLOPATHY, HEREDITARY PAROXYSMAL; EPISODIC ATAXIA, NYSTAGMUS-ASSOCIATED; ATAXIA, EPISODIC, WITH NYSTAGMUS; ATAXIA, FAMILIAL PAROXYSMAL; ACETAZOLAMIDE-RESPONSIVE HEREDITARY PAROXYSMAL CEREBELLAR ATAXIA. Identifiers: Orphanet 97, MedGen C1720416, MONDO:0007163, OMIM 108500.

Submissions (2):

GeneDx
Classification: Uncertain significance. Last evaluated: 2026-09-12. Review status: criteria provided, single submitter. Criteria: GeneDx Variant Classification Process June 2021. Collection method: clinical testing. Allele origin: germline.
Comment: Not observed at significant frequency in large population cohorts (gnomAD); In-frame insertion of 2 amino acid(s) in a non-repeat region; Has not been previously published as pathogenic or benign to our knowledge

Labcorp Genetics (formerly Invitae), Labcorp
Classification: Uncertain significance for Developmental and epileptic encephalopathy, 42; Episodic ataxia type 2. Last evaluated: 2019-02-19. Review status: criteria provided, single submitter. Criteria: Invitae Variant Classification Sherloc (09022015). Collection method: clinical testing. Allele origin: germline.
Comment: This variant is not present in population databases (ExAC no frequency). This variant, c.4176_4177insATCTTC, results in the insertion of 2 amino acid(s) to the CACNA1A protein (p.Ala1392_Val1393insIlePhe), but otherwise preserves the integrity of the reading frame. In summary, the available evidence is currently insufficient to determine the role of this variant in disease. Therefore, it has been classified as a Variant of Uncertain Significance. Experimental studies and prediction algorithms are not available for this variant, and the functional significance of the affected amino acid(s) is currently unknown. This variant has not been reported in the literature in individuals with CACNA1A-related conditions.

NM_001127222.2(CACNA1A):c.4173_4174insATCTTC (p.Ala1391_Val1392insIlePhe)

Genes: CACNA1A (calcium voltage-gated channel subunit alpha1 A; minus strand), LOC126862864 (MED14-independent group 3 enhancer GRCh37_chr19:13371552-13372751; plus strand). Cytogenetic location: 19p13.13.
Variant type: Insertion.
Coding change: c.4173_4174insATCTTC on transcript NM_001127222.2 (MANE Select); coding-DNA positions 4173 to 4174, ATCTTC inserted.
Protein change: p.Ala1391_Val1392insIlePhe.
Molecular consequence: inframe insertion.
Genome position: GRCh38 VCF-style: chr19-13261526-C-CGAAGAT. GRCh37 (hg19) VCF-style: chr19-13372340-C-CGAAGAT.
Other names: c.4185_4186insATCTTC, p.Ala1395_Val1396insIlePhe (NM_000068.4, NM_023035.3); c.4176_4177insATCTTC, p.Ala1392_Val1393insIlePhe (NM_001127221.2, NM_001174080.2).
Identifiers: ClinVar variation 659173 (VCV000659173.13), dbSNP rs1600195777, ClinGen allele CA915952894.